The following is an entry in ClinVar:

ClinVar aggregate classification (germline): Likely pathogenic (1 of 4 stars; one submission).

Conditions:
Multiple mitochondrial dysfunctions syndrome 3 (MMDS3). Identifiers: Orphanet 363424, MedGen C3809165, MONDO:0014132, OMIM 615330.

Allele frequency attached by ClinVar (database versions not stated): gnomAD exomes below 0.00001.

Submission:

Neuberg Centre For Genomic Medicine, NCGM
Classification: Likely pathogenic for Multiple mitochondrial dysfunctions syndrome 3. Review status: criteria provided, single submitter. Criteria: ACMG Guidelines, 2015. Collection method: clinical testing. Allele origin: germline. Inheritance: Autosomal recessive inheritance. Affected: yes.
Comment: Loss of function variants in IBA57 gene have been previously reported to be disease causing (Debray FG, et al., 2015).

NM_001010867.4(IBA57):c.24del (p.Gly9fs)

Gene: IBA57 (iron-sulfur cluster assembly factor IBA57; plus strand). Cytogenetic location: 1q42.13.
Variant type: Deletion.
Coding change: c.24del on transcript NM_001010867.4 (MANE Select); coding-DNA position 24, one base deleted (A; older notation c.24delA).
Protein change: p.Gly9fs; shifts the reading frame from glycine 9.
Molecular consequence: frameshift variant.
Genome position (GRCh38, 1-based): chr1:228,165,840, A deleted. VCF-style (leftmost placement, unchanged base first): chr1-228165839-GA-G. GRCh37 (hg19) VCF-style: chr1-228353540-GA-G.
Other names: short protein forms G9fs.
Identifiers: ClinVar variation 2585593 (VCV002585593.2), dbSNP rs2527899567, ClinGen allele CA2582342438.